The following is an entry in ClinVar:

NM_024417.5(FDXR):c.1202G>A (p.Arg401Lys)

Gene: FDXR (ferredoxin reductase; minus strand). Cytogenetic location: 17q25.1.
Variant type: single nucleotide variant.
Coding change: c.1202G>A on transcript NM_024417.5 (MANE Select); coding-DNA position 1202, G replaced by A.
Protein change: p.Arg401Lys; replaces arginine 401 with lysine.
Molecular consequence: missense variant. On other transcripts: non-coding transcript variant (1).
Genome position (GRCh38, 1-based): chr17:74,863,219, C>T on the plus strand (G>A on the coding strand, the complement: FDXR is on the minus strand). VCF-style: chr17-74863219-C-T. GRCh37 (hg19) VCF-style: chr17-72859341-C-T.
Other names: c.1220G>A (NM_004110.3); c.1331G>A, p.Arg444Lys (NM_001258012.4); c.1295G>A, p.Arg432Lys (NM_001258013.4); c.1178G>A, p.Arg393Lys (NM_001258014.4); c.1082G>A, p.Arg361Lys (NM_001258015.3); c.1046G>A, p.Arg349Lys (NM_001258016.3); c.1220G>A, p.Arg407Lys (NM_004110.6); c.1202G>A (NM_024417.4); short protein forms R361K, R349K, R401K, R407K, R432K, R444K, R393K.
Identifiers: ClinVar variation 808315 (VCV000808315.44), dbSNP rs146539535, ClinGen allele CA8752877.

ClinVar aggregate classification (germline): Conflicting classifications of pathogenicity. Review status: criteria provided, conflicting classifications (1 of 4 stars). 4 submissions from 4 submitters: Uncertain significance (2); Likely benign (1). 1 of the submissions does not count toward it. Last evaluated 2025-06-20.

Conditions:
FDXR-related disorder. Also called: FDXR-related condition; FDXR-related disorders.
Inborn genetic diseases. Identifiers: MedGen C0950123, MeSH D030342.

Allele frequency attached by ClinVar (database versions not stated): TOPMed 0.00008; ExAC 0.00010; gnomAD exomes 0.00010 and 0.00015; gnomAD 0.00011; ESP Exome Variant Server 0.00015.
gnomAD v4.1: 237 of 1,613,228 alleles (0.015%); highest among the groups gnomAD compares: Middle Eastern, 0.082%; no homozygotes.

Submissions (4):

Ambry Genetics
Classification: Likely benign for Inborn genetic diseases. Last evaluated: 2025-06-20. Review status: criteria provided, single submitter. Criteria: Ambry Variant Classification Scheme 2023. Collection method: clinical testing. Allele origin: germline.

Blueprint Genetics
Classification: Uncertain significance. Last evaluated: 2024-11-27. Review status: criteria provided, single submitter. Criteria: ACMG Guidelines, 2015. Collection method: clinical testing. Allele origin: germline.

CeGaT Center for Human Genetics Tuebingen
Classification: Uncertain significance. Last evaluated: 2018-11-01. Review status: criteria provided, single submitter. Criteria: CeGaT Center For Human Genetics Tuebingen Variant Classification Criteria Version 2. Collection method: clinical testing. Allele origin: germline. Affected: yes. Observed: 1 variant allele.

PreventionGenetics, part of Exact Sciences
Classification: Uncertain significance for FDXR-related condition. Last evaluated: 2024-08-24. Review status: no assertion criteria provided. Collection method: clinical testing. Allele origin: germline. Not counted in ClinVar's aggregate classification.
Comment: The FDXR c.1202G>A variant is predicted to result in the amino acid substitution p.Arg401Lys. To our knowledge, this variant has not been reported in the literature. This variant is reported in 0.018% of alleles in individuals of European (Non-Finnish) descent in gnomAD. At this time, the clinical significance of this variant is uncertain due to the absence of conclusive functional and genetic evidence.